The following is an entry in ClinVar:

ClinVar aggregate classification (germline): Uncertain significance. Review status: criteria provided, multiple submitters, no conflicts (2 of 4 stars). 3 submissions from 3 submitters: Uncertain significance (3). Last evaluated 2023-08-04.

Conditions:
Hereditary spastic paraplegia. Also called: Familial spastic paraparesis. Identifiers: Orphanet 685, MedGen C0037773, MONDO:0019064. Disease mechanism: loss of function.
Hereditary spastic paraplegia 50 (SPG50). Also called: Spastic paraplegia 50, autosomal recessive. Identifiers: Orphanet 280763, MedGen C2752008, MONDO:0013048, OMIM 612936.

Allele frequency attached by ClinVar (database versions not stated): gnomAD 0.00001; ExAC 0.00002.
gnomAD v4.1: 33 of 1,614,024 alleles (0.002%); highest among the groups gnomAD compares: Non-Finnish European, 0.0028%; no homozygotes.

Submissions (3):

Labcorp Genetics (formerly Invitae), Labcorp
Classification: Uncertain significance for Hereditary spastic paraplegia 50. Last evaluated: 2023-08-04. Review status: criteria provided, single submitter. Criteria: Invitae Variant Classification Sherloc (09022015). Collection method: clinical testing. Allele origin: germline.
Comment: This sequence change replaces serine, which is neutral and polar, with phenylalanine, which is neutral and non-polar, at codon 204 of the AP4M1 protein (p.Ser204Phe). This variant is present in population databases (rs200722903, gnomAD 0.004%). This variant has not been reported in the literature in individuals affected with AP4M1-related conditions. ClinVar contains an entry for this variant (Variation ID: 575434). Advanced modeling of protein sequence and biophysical properties (such as structural, functional, and spatial information, amino acid conservation, physicochemical variation, residue mobility, and thermodynamic stability) performed at Invitae indicates that this missense variant is not expected to disrupt AP4M1 protein function. In summary, the available evidence is currently insufficient to determine the role of this variant in disease. Therefore, it has been classified as a Variant of Uncertain Significance.

Genetic Services Laboratory, University of Chicago
Classification: Uncertain significance. Last evaluated: 2019-10-10. Review status: criteria provided, single submitter. Criteria: ACMG Guidelines, 2015. Collection method: clinical testing. Allele origin: germline. Affected: no.

Genome Diagnostics Laboratory, The Hospital for Sick Children
Classification: Uncertain significance for Hereditary spastic paraplegia. Last evaluated: 2018-08-01. Review status: criteria provided, single submitter. Criteria: ACMG Guidelines, 2015. Collection method: clinical testing. Allele origin: germline. Affected: yes.

NM_004722.4(AP4M1):c.611C>T (p.Ser204Phe)

Gene: AP4M1 (adaptor related protein complex 4 subunit mu 1; plus strand). Cytogenetic location: 7q22.1.
Variant type: single nucleotide variant.
Coding change: c.611C>T on transcript NM_004722.4 (MANE Select); coding-DNA position 611, C replaced by T.
Protein change: p.Ser204Phe; replaces serine 204 with phenylalanine.
Molecular consequence: missense variant.
Genome position (GRCh38, 1-based): chr7:100,104,878, C>T. VCF-style: chr7-100104878-C-T. GRCh37 (hg19) VCF-style: chr7-99702501-C-T.
Other names: c.632C>T, p.Ser211Phe (NM_001363671.2); short protein forms S204F, S211F.
Identifiers: ClinVar variation 575434 (VCV000575434.14), dbSNP rs200722903, ClinGen allele CA4374709.